The following is an entry in ClinVar:

ClinVar aggregate classification (germline): Uncertain significance (1 of 4 stars; one submission).

Conditions:
Marfan syndrome (MFS). Also called: MARFAN SYNDROME, TYPE I; Marfan syndrome type 1; Marfan's syndrome; Marfan syndrome, classic; FBN1-Related Marfan Syndrome. Identifiers: Orphanet 284963, Orphanet 558, MedGen C0024796, MONDO:0007947, OMIM 154700.
Familial thoracic aortic aneurysm and aortic dissection (TAAD). Also called: Thoracic aortic aneurysms and dissections. Identifiers: Orphanet 91387, MedGen C4707243, MONDO:0019625.

Allele frequency attached by ClinVar (database versions not stated): gnomAD exomes below 0.00001; TOPMed below 0.00001.
gnomAD v4.1: 4 of 1,614,234 alleles (0.00025%); highest among the groups gnomAD compares: Non-Finnish European, 0.00034%; no homozygotes.

Submission:

Labcorp Genetics (formerly Invitae), Labcorp
Classification: Uncertain significance for Marfan syndrome; Familial thoracic aortic aneurysm and aortic dissection. Last evaluated: 2020-12-25. Review status: criteria provided, single submitter. Criteria: Invitae Variant Classification Sherloc (09022015). Collection method: clinical testing. Allele origin: germline.
Comment: In summary, the available evidence is currently insufficient to determine the role of this variant in disease. Therefore, it has been classified as a Variant of Uncertain Significance. Advanced modeling of protein sequence and biophysical properties (such as structural, functional, and spatial information, amino acid conservation, physicochemical variation, residue mobility, and thermodynamic stability) performed at Invitae indicates that this missense variant is expected to disrupt FBN1 protein function. This variant has not been reported in the literature in individuals with FBN1-related conditions. This variant is not present in population databases (ExAC no frequency). This sequence change replaces serine with threonine at codon 1050 of the FBN1 protein (p.Ser1050Thr). The serine residue is highly conserved and there is a small physicochemical difference between serine and threonine.

NM_000138.5(FBN1):c.3149G>C (p.Ser1050Thr)

Gene: FBN1 (fibrillin 1; minus strand). Cytogenetic location: 15q21.1.
Variant type: single nucleotide variant.
Coding change: c.3149G>C on transcript NM_000138.5 (MANE Select); coding-DNA position 3149, G replaced by C.
Protein change: p.Ser1050Thr; replaces serine 1050 with threonine.
Molecular consequence: missense variant.
Genome position (GRCh38, 1-based): chr15:48,488,427, C>G on the plus strand (G>C on the coding strand, the complement: FBN1 is on the minus strand). VCF-style: chr15-48488427-C-G. GRCh37 (hg19) VCF-style: chr15-48780624-C-G.
Other names: short protein forms S1050T.
Identifiers: ClinVar variation 1424504 (VCV001424504.8), dbSNP rs987202268, ClinGen allele CA269532446.